The following is an entry in ClinVar:

ClinVar aggregate classification (germline): Benign. Review status: criteria provided, multiple submitters, no conflicts (2 of 4 stars). 14 submissions from 13 submitters: Benign (10). 4 of the submissions do not count toward it. Last evaluated 2026-02-04.

Conditions:
Primary open angle glaucoma (POAG). Also called: OPTN-related open angle glaucoma. Identifiers: MedGen C0339573, MONDO:0100553, OMIM 137760.
Glaucoma 1, open angle, E. Identifiers: MedGen C1842026, MONDO:0007665.
Amyotrophic lateral sclerosis type 12 (ALS12). Also called: AMYOTROPHIC LATERAL SCLEROSIS 12 WITH OR WITHOUT FRONTOTEMPORAL DEMENTIA. Identifiers: Orphanet 803, MedGen C3150692, MONDO:0013264, OMIM 613435.

Allele frequency attached by ClinVar (database versions not stated): 1000 Genomes Project 30x 0.17380; 1000 Genomes Project 0.17831; gnomAD 0.19474 and 0.19877; TOPMed 0.19946; ESP Exome Variant Server 0.20129; gnomAD exomes 0.25669.
gnomAD v4.1: 404,990 of 1,613,578 alleles (25%); highest among the groups gnomAD compares: Middle Eastern, 30%; 53,239 homozygotes.

Submissions (14):

Labcorp Genetics (formerly Invitae), Labcorp
Classification: Benign for Primary open angle glaucoma; Glaucoma 1, open angle, E; Amyotrophic lateral sclerosis type 12. Last evaluated: 2026-02-04. Review status: criteria provided, single submitter. Criteria: Invitae Variant Classification Sherloc (09022015). Collection method: clinical testing. Allele origin: germline.

Blueprint Genetics
Classification: Benign. Last evaluated: 2024-11-27. Review status: criteria provided, single submitter. Criteria: ACMG Guidelines, 2015. Collection method: clinical testing. Allele origin: germline.

Mayo Clinic Laboratories, Mayo Clinic
Classification: Benign. Last evaluated: 2017-07-24. Review status: criteria provided, single submitter. Criteria: ACMG Guidelines, 2015. Collection method: clinical testing. Allele origin: germline. Observed: 655 variant alleles.

Athena Diagnostics
Classification: Benign. Last evaluated: 2017-07-21. Review status: criteria provided, single submitter. Criteria: Athena Diagnostics Criteria. Collection method: clinical testing. Allele origin: germline.

Illumina Laboratory Services, Illumina
Classification: Benign for Primary open angle glaucoma. Last evaluated: 2017-04-27. Review status: criteria provided, single submitter. Criteria: ICSL Variant Classification Criteria 13 December 2019. Collection method: clinical testing. Allele origin: germline.
Comment: This variant was observed as part of a predisposition screen in an ostensibly healthy population. A literature search was performed for the gene, cDNA change, and amino acid change (where applicable). Publications were found based on this search. The evidence from the literature, in combination with allele frequency data from public databases where available, was sufficient to rule this variant out of causing disease. Therefore, this variant is classified as benign.

Illumina Laboratory Services, Illumina
Classification: Benign for Amyotrophic lateral sclerosis type 12. Last evaluated: 2017-04-27. Review status: criteria provided, single submitter. Criteria: ICSL Variant Classification Criteria 13 December 2019. Collection method: clinical testing. Allele origin: germline.
Comment: This variant was observed as part of a predisposition screen in an ostensibly healthy population. A literature search was performed for the gene, cDNA change, and amino acid change (where applicable). No publications were found based on this search. Allele frequency data from public databases was too high to be consistent with this variant causing disease. Therefore, this variant is classified as benign.

GeneDx
Classification: Benign. Last evaluated: 2015-03-03. Review status: criteria provided, single submitter. Criteria: GeneDx Variant Classification Process June 2021. Collection method: clinical testing. Allele origin: germline. Affected: yes.
Comment: This variant is associated with the following publications: (PMID: 19172505, 17122126, 28993189, 31198474, 17361544)

Eurofins Ntd Llc (ga)
Classification: Benign. Last evaluated: 2013-09-10. Review status: criteria provided, single submitter. Criteria: EGL Classification Definitions 2015. Collection method: clinical testing. Allele origin: germline. Observed: 1 variant allele, 1 heterozygote.

Breakthrough Genomics
Classification: Benign. Review status: criteria provided, single submitter. Criteria: ACMG Guidelines, 2015. Collection method: not provided. Allele origin: germline. Inheritance: Autosomal recessive inheritance. Affected: yes.

PreventionGenetics, part of Exact Sciences
Classification: Benign. Review status: criteria provided, single submitter. Criteria: ACMG Guidelines, 2015. Collection method: clinical testing. Allele origin: germline.

Clinical Genetics DNA and cytogenetics Diagnostics Lab, Erasmus MC, Erasmus Medical Center
Classification: Benign. Review status: no assertion criteria provided. Collection method: clinical testing. Allele origin: germline. Affected: yes. Study: VKGL Data-share Consensus. Not counted in ClinVar's aggregate classification.

Clinical Genetics, Academic Medical Center
Classification: Benign. Review status: no assertion criteria provided. Collection method: clinical testing. Allele origin: germline. Affected: yes. Study: VKGL Data-share Consensus. Not counted in ClinVar's aggregate classification.

Diagnostic Laboratory, Department of Genetics, University Medical Center Groningen
Classification: Benign. Review status: no assertion criteria provided. Collection method: clinical testing. Allele origin: germline. Affected: yes. Study: VKGL Data-share Consensus. Not counted in ClinVar's aggregate classification.

Genome Diagnostics Laboratory, Amsterdam University Medical Center
Classification: Benign. Review status: no assertion criteria provided. Collection method: clinical testing. Allele origin: germline. Affected: yes. Study: VKGL Data-share Consensus. Not counted in ClinVar's aggregate classification.

Literature cited by the submitters: PubMed 17122126 (cited by Illumina Laboratory Services, Illumina); PubMed 20671613 (cited by Illumina Laboratory Services, Illumina).

NM_001008212.2(OPTN):c.102G>A (p.Thr34=)

Genes: OPTN (optineurin; plus strand), LOC108903148 (10p13 OPTN distal Alu-mediated recombination region; plus strand). Cytogenetic location: 10p13.
Variant type: single nucleotide variant.
Coding change: c.102G>A on transcript NM_001008212.2 (MANE Select); coding-DNA position 102, G replaced by A.
Protein change: p.Thr34=; no amino-acid change (threonine 34 retained).
Molecular consequence: synonymous variant.
Genome position (GRCh38, 1-based): chr10:13,109,224, G>A. VCF-style: chr10-13109224-G-A. GRCh37 (hg19) VCF-style: chr10-13151224-G-A.
Other names: p.Thr34=; c.102G>A, p.Thr34= (NM_001008211.1, NM_001008213.1, NM_021980.4).
Identifiers: ClinVar variation 96022 (VCV000096022.32), dbSNP rs2234968, ClinGen allele CA149163.